The following is an entry in ClinVar:

NM_032043.3(BRIP1):c.1556T>C (p.Ile519Thr)

Gene: BRIP1 (BRCA1 interacting DNA helicase 1; minus strand). Cytogenetic location: 17q23.2.
Variant type: single nucleotide variant.
Coding change: c.1556T>C on transcript NM_032043.3 (MANE Select); coding-DNA position 1556, T replaced by C.
Protein change: p.Ile519Thr; replaces isoleucine 519 with threonine.
Molecular consequence: missense variant.
Genome position (GRCh38, 1-based): chr17:61,784,342, A>G on the plus strand (T>C on the coding strand, the complement: BRIP1 is on the minus strand). VCF-style: chr17-61784342-A-G. GRCh37 (hg19) VCF-style: chr17-59861703-A-G.
Other names: short protein forms I519T.
Identifiers: ClinVar variation 479462 (VCV000479462.15), dbSNP rs1555603538, ClinGen allele CA400481173.
Genomic context (GRCh38, chr17:61,784,342, plus strand): 5'-CTAAAAAGATAGTCAAGTACCATAAAAAGTCCTTTAAGCATTATTTGAGTTGATGCACTA[A>G]TAACAGGTACTTCTCTTGCCTCCTCTTTACCATAAATTGGTGAGATTTTTTCCTCTTTTT-3'
Protein context (NP_114432.2, residues 509-529): GKEEAREVPV[Ile519Thr]SASTQIMLKG

ClinVar aggregate classification (germline): Uncertain significance. Review status: criteria provided, multiple submitters, no conflicts (2 of 4 stars). 2 submissions from 2 submitters: Uncertain significance (2). Last evaluated 2026-02-02.

Conditions:
Hereditary cancer-predisposing syndrome. Also called: Tumor predisposition; Neoplastic Syndromes, Hereditary; Hereditary Cancer Syndrome; Hereditary neoplastic syndrome. Identifiers: Orphanet 140162, MedGen C0027672, MeSH D009386, MONDO:0015356.
Fanconi anemia complementation group J. Also called: BRIP1-Related Fanconi Anemia. Identifiers: Orphanet 84, MedGen C1836860, MONDO:0012187, OMIM 609054.
Familial cancer of breast. Also called: BREAST CANCER, FAMILIAL; Hereditary breast cancer; hereditary breast carcinoma. Identifiers: Orphanet 227535, MedGen C0346153, MONDO:0016419, OMIM 114480. Disease mechanism: loss of function.

Allele frequency attached by ClinVar (database versions not stated): gnomAD exomes below 0.00001.
gnomAD v4.1: 2 of 1,613,180 alleles (0.00012%); highest among the groups gnomAD compares: Non-Finnish European, 0.00017%; no homozygotes.

Submissions (2):

Labcorp Genetics (formerly Invitae), Labcorp
Classification: Uncertain significance for Familial cancer of breast; Fanconi anemia complementation group J. Last evaluated: 2026-02-02. Review status: criteria provided, single submitter. Criteria: Invitae Variant Classification Sherloc (09022015). Collection method: clinical testing. Allele origin: germline.
Comment: This sequence change replaces isoleucine, which is neutral and non-polar, with threonine, which is neutral and polar, at codon 519 of the BRIP1 protein (p.Ile519Thr). This variant is not present in population databases (gnomAD no frequency). This variant has not been reported in the literature in individuals affected with BRIP1-related conditions. ClinVar contains an entry for this variant (Variation ID: 479462). Invitae Evidence Modeling of protein sequence and biophysical properties (such as structural, functional, and spatial information, amino acid conservation, physicochemical variation, residue mobility, and thermodynamic stability) has been performed for this missense variant. However, the output from this modeling did not meet the statistical confidence thresholds required to predict the impact of this variant on BRIP1 protein function. In summary, the available evidence is currently insufficient to determine the role of this variant in disease. Therefore, it has been classified as a Variant of Uncertain Significance.

Ambry Genetics
Classification: Uncertain significance for Hereditary cancer-predisposing syndrome. Last evaluated: 2025-11-19. Review status: criteria provided, single submitter. Criteria: Ambry Variant Classification Scheme 2023. Collection method: clinical testing. Allele origin: germline.
Comment: The p.I519T variant (also known as c.1556T>C), located in coding exon 10 of the BRIP1 gene, results from a T to C substitution at nucleotide position 1556. The isoleucine at codon 519 is replaced by threonine, an amino acid with similar properties. This amino acid position is not well conserved in available vertebrate species. In addition, the in silico prediction for this alteration is inconclusive. Since supporting evidence is limited at this time, the clinical significance of this alteration remains unclear.